The following is an entry in ClinVar:

ClinVar aggregate classification (germline): Uncertain significance (1 of 4 stars; one submission).

gnomAD v4.1: 1 of 1,614,050 alleles (0.000062%); highest among the groups gnomAD compares: East Asian, 0.0022%; no homozygotes.

Submission:

Labcorp Genetics (formerly Invitae), Labcorp
Classification: Uncertain significance. Last evaluated: 2024-08-29. Review status: criteria provided, single submitter. Criteria: Invitae Variant Classification Sherloc (09022015). Collection method: clinical testing. Allele origin: germline.
Comment: This sequence change creates a premature translational stop signal (p.Gln1412*) in the SETD5 gene. While this is not anticipated to result in nonsense mediated decay, it is expected to disrupt the last 31 amino acid(s) of the SETD5 protein. This variant is not present in population databases (gnomAD no frequency). This variant has not been reported in the literature in individuals affected with SETD5-related conditions. Experimental studies and prediction algorithms are not available or were not evaluated, and the functional significance of this variant is currently unknown. In summary, the available evidence is currently insufficient to determine the role of this variant in disease. Therefore, it has been classified as a Variant of Uncertain Significance.

NM_001080517.3(SETD5):c.4234C>T (p.Gln1412Ter)

Gene: SETD5 (SET domain containing 5; plus strand). Cytogenetic location: 3p25.3.
Variant type: single nucleotide variant.
Coding change: c.4234C>T on transcript NM_001080517.3 (MANE Select); coding-DNA position 4234, C replaced by T.
Protein change: p.Gln1412Ter; replaces glutamine 1412 with a stop codon.
Molecular consequence: nonsense.
Genome position (GRCh38, 1-based): chr3:9,475,996, C>T. VCF-style: chr3-9475996-C-T. GRCh37 (hg19) VCF-style: chr3-9517680-C-T.
Other names: c.3940C>T, p.Gln1314Ter (NM_001292043.2, NM_001349451.2); short protein forms Q1412*, Q1314*.
Identifiers: ClinVar variation 3662760 (VCV003662760.2).